The following is an entry in ClinVar:

NM_000321.3(RB1):c.985A>C (p.Lys329Gln)

Gene: RB1 (RB transcriptional corepressor 1; plus strand). Cytogenetic location: 13q14.2.
Variant type: single nucleotide variant.
Coding change: c.985A>C on transcript NM_000321.3 (MANE Select); coding-DNA position 985, A replaced by C.
Protein change: p.Lys329Gln; replaces lysine 329 with glutamine.
Molecular consequence: missense variant.
Genome position (GRCh38, 1-based): chr13:48,367,539, A>C. VCF-style: chr13-48367539-A-C. GRCh37 (hg19) VCF-style: chr13-48941675-A-C.
Other names: c.985A>C (NM_000321.2); short protein forms K329Q.
Identifiers: ClinVar variation 1382427 (VCV001382427.9), dbSNP rs2138121199, ClinGen allele CA388160722.

ClinVar aggregate classification (germline): Uncertain significance. Review status: criteria provided, multiple submitters, no conflicts (2 of 4 stars). 2 submissions from 2 submitters: Uncertain significance (2). Last evaluated 2025-12-07.

Conditions:
Hereditary cancer-predisposing syndrome. Also called: Tumor predisposition; Neoplastic Syndromes, Hereditary; Hereditary Cancer Syndrome; Hereditary neoplastic syndrome. Identifiers: Orphanet 140162, MedGen C0027672, MeSH D009386, MONDO:0015356.
Retinoblastoma (RB1). Also called: RETINOBLASTOMA, SOMATIC. Identifiers: Orphanet 790, MedGen C0035335, MeSH D012175, MONDO:0008380, OMIM 180200, HP:0009919. Disease mechanism: loss of function. Inheritance: Both sporadic and heritable forms are tested..

Submissions (2):

Labcorp Genetics (formerly Invitae), Labcorp
Classification: Uncertain significance for Retinoblastoma. Last evaluated: 2025-12-07. Review status: criteria provided, single submitter. Criteria: Invitae Variant Classification Sherloc (09022015). Collection method: clinical testing. Allele origin: germline.
Comment: This sequence change replaces lysine, which is basic and polar, with glutamine, which is neutral and polar, at codon 329 of the RB1 protein (p.Lys329Gln). This variant is not present in population databases (gnomAD no frequency). This variant has not been reported in the literature in individuals affected with RB1-related conditions. ClinVar contains an entry for this variant (Variation ID: 1382427). Invitae Evidence Modeling of protein sequence and biophysical properties (such as structural, functional, and spatial information, amino acid conservation, physicochemical variation, residue mobility, and thermodynamic stability) indicates that this missense variant is expected to disrupt RB1 protein function with a positive predictive value of 80%. In summary, the available evidence is currently insufficient to determine the role of this variant in disease. Therefore, it has been classified as a Variant of Uncertain Significance.

Ambry Genetics
Classification: Uncertain significance for Hereditary cancer-predisposing syndrome. Last evaluated: 2025-05-04. Review status: criteria provided, single submitter. Criteria: Ambry Variant Classification Scheme 2023. Collection method: clinical testing. Allele origin: germline.
Comment: The p.K329Q variant (also known as c.985A>C), located in coding exon 10 of the RB1 gene, results from an A to C substitution at nucleotide position 985. The lysine at codon 329 is replaced by glutamine, an amino acid with similar properties. This amino acid position is conserved. In addition, the in silico prediction for this alteration is inconclusive. Based on the available evidence, the clinical significance of this variant remains unclear.